The following is an entry in ClinVar:

ClinVar aggregate classification (germline): Uncertain significance (1 of 4 stars; one submission).

gnomAD v4.1: 26 of 1,613,074 alleles (0.0016%); highest among the groups gnomAD compares: Middle Eastern, 0.016%; no homozygotes.

Submission:

Labcorp Genetics (formerly Invitae), Labcorp
Classification: Uncertain significance. Last evaluated: 2025-11-12. Review status: criteria provided, single submitter. Criteria: Invitae Variant Classification Sherloc (09022015). Collection method: clinical testing. Allele origin: germline.
Comment: This sequence change replaces aspartic acid, which is acidic and polar, with asparagine, which is neutral and polar, at codon 299 of the HR protein (p.Asp299Asn). This variant is present in population databases (rs747380523, gnomAD 0.01%). This variant has not been reported in the literature in individuals affected with HR-related conditions. An algorithm developed to predict the effect of missense changes on protein structure and function outputs the following: PolyPhen-2: "Benign". The asparagine amino acid residue is found in multiple mammalian species, which suggests that this missense change does not adversely affect protein function. In summary, the available evidence is currently insufficient to determine the role of this variant in disease. Therefore, it has been classified as a Variant of Uncertain Significance.

NM_005144.5(HR):c.895G>A (p.Asp299Asn)

Gene: HR (HR lysine demethylase and nuclear receptor corepressor; minus strand). Cytogenetic location: 8p21.3.
Variant type: single nucleotide variant.
Coding change: c.895G>A on transcript NM_005144.5 (MANE Select); coding-DNA position 895, G replaced by A.
Protein change: p.Asp299Asn; replaces aspartic acid 299 with asparagine.
Molecular consequence: missense variant.
Genome position (GRCh38, 1-based): chr8:22,127,547, C>T on the plus strand (G>A on the coding strand, the complement: HR is on the minus strand). VCF-style: chr8-22127547-C-T. GRCh37 (hg19) VCF-style: chr8-21985060-C-T.
Other names: c.895G>A, p.Asp299Asn (NM_018411.4); short protein forms D299N.
Identifiers: ClinVar variation 4752078 (VCV004752078.1).